The following is an entry in ClinVar:

NM_001844.5(COL2A1):c.2665G>A (p.Ala889Thr)

Gene: COL2A1 (collagen type II alpha 1 chain; minus strand). Cytogenetic location: 12q13.11.
Variant type: single nucleotide variant.
Coding change: c.2665G>A on transcript NM_001844.5 (MANE Select); coding-DNA position 2665, G replaced by A.
Protein change: p.Ala889Thr; replaces alanine 889 with threonine.
Molecular consequence: missense variant.
Genome position (GRCh38, 1-based): chr12:47,980,023, C>T on the plus strand (G>A on the coding strand, the complement: COL2A1 is on the minus strand). VCF-style: chr12-47980023-C-T. GRCh37 (hg19) VCF-style: chr12-48373806-C-T.
Other names: c.2458G>A, p.Ala820Thr (NM_033150.3); short protein forms A820T, A889T.
Identifiers: ClinVar variation 2748750 (VCV002748750.2), dbSNP rs2540119702, ClinGen allele CA384544204.

ClinVar aggregate classification (germline): Uncertain significance (1 of 4 stars; one submission).

gnomAD v4.1: 2 of 1,555,290 alleles (0.00013%); no homozygotes.

Submission:

Labcorp Genetics (formerly Invitae), Labcorp
Classification: Uncertain significance. Last evaluated: 2024-03-16. Review status: criteria provided, single submitter. Criteria: Invitae Variant Classification Sherloc (09022015). Collection method: clinical testing. Allele origin: germline.
Comment: This sequence change replaces alanine, which is neutral and non-polar, with threonine, which is neutral and polar, at codon 889 of the COL2A1 protein (p.Ala889Thr). This variant is not present in population databases (gnomAD no frequency). This variant has not been reported in the literature in individuals affected with COL2A1-related conditions. Advanced modeling of protein sequence and biophysical properties (such as structural, functional, and spatial information, amino acid conservation, physicochemical variation, residue mobility, and thermodynamic stability) performed at Invitae indicates that this missense variant is not expected to disrupt COL2A1 protein function with a negative predictive value of 95%. In summary, the available evidence is currently insufficient to determine the role of this variant in disease. Therefore, it has been classified as a Variant of Uncertain Significance.